The following is an entry in ClinVar:

NM_001165963.4(SCN1A):c.347C>T (p.Pro116Leu)

Gene: SCN1A (sodium voltage-gated channel alpha subunit 1; minus strand). Cytogenetic location: 2q24.3.
Variant type: single nucleotide variant.
Coding change: c.347C>T on transcript NM_001165963.4 (MANE Select); coding-DNA position 347, C replaced by T.
Protein change: p.Pro116Leu; replaces proline 116 with leucine.
Molecular consequence: missense variant. On other transcripts: 5 prime UTR variant (1), non-coding transcript variant (1).
Genome position (GRCh38, 1-based): chr2:166,058,606, G>A on the plus strand (C>T on the coding strand, the complement: SCN1A is on the minus strand). VCF-style: chr2-166058606-G-A. GRCh37 (hg19) VCF-style: chr2-166915116-G-A.
Other names: c.347C>T, p.Pro116Leu (NM_001165964.3, NM_001202435.3, NM_001353948.2 and 10 more transcripts); c.-2079C>T (NM_001353961.2); short protein forms P116L.
Identifiers: ClinVar variation 3384624 (VCV003384624.3).

ClinVar aggregate classification (germline): Uncertain significance. Review status: criteria provided, multiple submitters, no conflicts (2 of 4 stars). 2 submissions from 2 submitters: Uncertain significance (2). Last evaluated 2026-06-16.

Conditions:
Severe myoclonic epilepsy in infancy (DRVT). Also called: Epileptic encephalopathy, early infantile, 6 (Dravet syndrome); SEVERE MYOCLONIC EPILEPSY OF INFANCY; DEVELOPMENTAL AND EPILEPTIC ENCEPHALOPATHY 6A; Severe Myoclonic Epilepsy in Infancy (SMEI); Dravet syndrome. Identifiers: Orphanet 33069, MedGen C0751122, MONDO:0100135, OMIM 607208.

gnomAD v4.1: 18 of 1,610,798 alleles (0.0011%); highest among the groups gnomAD compares: Non-Finnish European, 0.0015%; no homozygotes.

Submissions (2):

GeneDx
Classification: Uncertain significance. Last evaluated: 2026-06-16. Review status: criteria provided, single submitter. Criteria: GeneDx Variant Classification Process June 2021. Collection method: clinical testing. Allele origin: germline.
Comment: Not observed at significant frequency in large population cohorts (gnomAD); In silico analysis supports that this missense variant has a deleterious effect on protein structure/function; Has not been previously published as pathogenic or benign to our knowledge; This substitution is predicted to be within the N-terminal cytoplasmic domain

Victorian Clinical Genetics Services, Murdoch Childrens Research Institute
Classification: Uncertain significance for Severe myoclonic epilepsy in infancy. Last evaluated: 2025-11-27. Review status: criteria provided, single submitter. Criteria: ACMG Guidelines, 2015. Collection method: clinical testing. Allele origin: germline. Affected: yes.
Comment: This variant is classified as VUS-3B. Evidence in support of pathogenic classification: Variant is present in gnomAD <0.001 for a dominant condition (v4: 18 heterozygote(s), 0 homozygote(s)). Additional information: Variant is predicted to result in a missense amino acid change from Pro to Leu; This variant is heterozygous; This gene is associated with autosomal dominant disease; Alternative amino acid change(s) at the same position are present in gnomAD (highest allele count: v4: 2 heterozygote(s), 1 homozygote(s)); Previous evidence of pathogenicity for this variant is inconclusive. This variant has been classified as VUS by a clinical laboratory in ClinVar; No published evidence of segregation with disease has been identified for this variant; No published functional evidence has been identified for this variant; Another missense variant(s) comparable to the one identified in this case has inconclusive previous evidence for pathogenicity. p.(Pro116Ser) has been classified as VUS by a clinical laboratory in ClinVar; Variant is not located in an established domain, motif, hotspot or informative constraint region; Missense variant with inconclusive in silico prediction and/or uninformative conservation; Loss of function and gain of function are known mechanisms of disease in this gene and are associated with SCN1A-related epilepsy (PMID: 28488083); The condition associated with this gene has incomplete penetrance. Penetrance has been noted to vary by phenotype (PMID: 20301494); Variants in this gene are known to have variable expressivity. Both intrafamilial and interfamilial variability have been observed (PMID: 20301494).

Literature cited by the submitters: PubMed 28488083 (cited by Victorian Clinical Genetics Services, Murdoch Childrens Research Institute); PubMed 20301494 (cited by Victorian Clinical Genetics Services, Murdoch Childrens Research Institute).